The following is an entry in ClinVar:

ClinVar aggregate classification (germline): Uncertain significance (1 of 4 stars; one submission).

Conditions:
Hereditary cancer-predisposing syndrome. Also called: Neoplastic Syndromes, Hereditary; Hereditary Cancer Syndrome; Tumor predisposition; Hereditary neoplastic syndrome. Identifiers: Orphanet 140162, MedGen C0027672, MeSH D009386, MONDO:0015356.

Submission:

Ambry Genetics
Classification: Uncertain significance for Hereditary cancer-predisposing syndrome. Last evaluated: 2025-01-30. Review status: criteria provided, single submitter. Criteria: Ambry Variant Classification Scheme 2023. Collection method: clinical testing. Allele origin: germline.
Comment: The p.E1087G variant (also known as c.3260A>G), located in coding exon 27 of the TSC2 gene, results from an A to G substitution at nucleotide position 3260. The glutamic acid at codon 1087 is replaced by glycine, an amino acid with similar properties. This amino acid position is conserved. In addition, the in silico prediction for this alteration is inconclusive. Based on the available evidence, the clinical significance of this variant remains unclear.

NM_000548.5(TSC2):c.3260A>G (p.Glu1087Gly)

Gene: TSC2 (TSC complex subunit 2; plus strand). Cytogenetic location: 16p13.3.
Variant type: single nucleotide variant.
Coding change: c.3260A>G on transcript NM_000548.5 (MANE Select); coding-DNA position 3260, A replaced by G.
Protein change: p.Glu1087Gly; replaces glutamic acid 1087 with glycine.
Molecular consequence: missense variant. On other transcripts: non-coding transcript variant (5).
Genome position (GRCh38, 1-based): chr16:2,079,404, A>G. VCF-style: chr16-2079404-A-G. GRCh37 (hg19) VCF-style: chr16-2129405-A-G.
Other names: c.3128A>G, p.Glu1043Gly (NM_001077183.3, NM_001370404.1, NM_001406665.1); c.3260A>G, p.Glu1087Gly (NM_001114382.3); c.3020A>G, p.Glu1007Gly (NM_001318827.2); c.2984A>G, p.Glu995Gly (NM_001318829.2); c.2528A>G, p.Glu843Gly (NM_001318831.2, NM_001406687.1, NM_001406688.1); c.3161A>G, p.Glu1054Gly (NM_001318832.2); c.3131A>G, p.Glu1044Gly (NM_001363528.2, NM_001370405.1, NM_021055.3); c.3257A>G, p.Glu1086Gly (NM_001406663.1, NM_001406664.1); and 18 more; short protein forms E1037G, E1038G, E1040G, E1050G, E1086G, E887G, E995G, E1039G.
Identifiers: ClinVar variation 3811273 (VCV003811273.1).